The following is an entry in ClinVar:

NM_002528.7(NTHL1):c.211G>T (p.Ala71Ser)

Gene: NTHL1 (nth like DNA glycosylase 1; minus strand). Cytogenetic location: 16p13.3.
Variant type: single nucleotide variant.
Coding change: c.211G>T on transcript NM_002528.7 (MANE Select); coding-DNA position 211, G replaced by T.
Protein change: p.Ala71Ser; replaces alanine 71 with serine.
Molecular consequence: missense variant. On other transcripts: intron variant (1).
Genome position (GRCh38, 1-based): chr16:2,046,271, C>A on the plus strand (G>T on the coding strand, the complement: NTHL1 is on the minus strand). VCF-style: chr16-2046271-C-A. GRCh37 (hg19) VCF-style: chr16-2096272-C-A.
Other names: c.211G>T, p.Ala71Ser (NM_001318193.2); c.24+9G>T (NM_001318194.2); short protein forms A71S.
Identifiers: ClinVar variation 3922236 (VCV003922236.1).

ClinVar aggregate classification (germline): Uncertain significance (1 of 4 stars; one submission).

Conditions:
Hereditary cancer-predisposing syndrome. Also called: Hereditary Cancer Syndrome; Hereditary neoplastic syndrome; Neoplastic Syndromes, Hereditary; Tumor predisposition. Identifiers: Orphanet 140162, MedGen C0027672, MeSH D009386, MONDO:0015356.

Submission:

Ambry Genetics
Classification: Uncertain significance for Hereditary cancer-predisposing syndrome. Last evaluated: 2025-03-31. Review status: criteria provided, single submitter. Criteria: Ambry Variant Classification Scheme 2023. Collection method: clinical testing. Allele origin: germline.
Comment: The p.A79S variant (also known as c.235G>T), located in coding exon 2 of the NTHL1 gene, results from a G to T substitution at nucleotide position 235. The alanine at codon 79 is replaced by serine, an amino acid with similar properties. This amino acid position is conserved. In addition, this alteration is predicted to be tolerated by in silico analysis. Based on the available evidence, the clinical significance of this variant remains unclear.